The following is an entry in ClinVar:

ClinVar aggregate classification (germline): Pathogenic/Likely pathogenic. Review status: criteria provided, multiple submitters, no conflicts (2 of 4 stars). 2 submissions from 2 submitters: Pathogenic (1); Likely pathogenic (1). Last evaluated 2025-10-08.

Conditions:
Anauxetic dysplasia. Identifiers: Orphanet 93347, MedGen C1846796, MONDO:0011773.
Metaphyseal chondrodysplasia, McKusick type (CHH). Also called: Cartilage-Hair Hypoplasia (CHH); Cartilage-hair hypoplasia. Identifiers: Orphanet 175, MedGen C0220748, MONDO:0009595, OMIM 250250.

Submissions (2):

Natera, Inc.
Classification: Likely pathogenic for Cartilage-hair hypoplasia. Last evaluated: 2025-10-08. Review status: criteria provided, single submitter. Criteria: Natera Variant Classification Schema (03/2026). Collection method: clinical testing. Allele origin: germline.
Comment: The n.-24_-17dupACTACTCT variant in RMRP is a duplication affecting the RMRP promoter region between the TATA box and the transcription initiation site. Other duplications and insertions just upstream of the transcription initiation site have been reported in individuals affected with cartilage-hair hypoplasia (PMID: 11207361, 17937437). This variant is rare in the general population with a frequency below the threshold expected for the associated phenotype(s). Given the available evidence, this variant is classified as Likely pathogenic.

Labcorp Genetics (formerly Invitae), Labcorp
Classification: Pathogenic for Anauxetic dysplasia. Last evaluated: 2025-08-19. Review status: criteria provided, single submitter. Criteria: Invitae Variant Classification Sherloc (09022015). Collection method: clinical testing. Allele origin: germline.
Comment: This variant occurs in the RMRP gene, which encodes an RNA molecule that does not result in a protein product. This variant is present in population databases (no rsID available, gnomAD 0.002%). While this particular variant has not been reported in the literature, it is located in the promoter region between the TATA box and the transcription initiation site, and other insertions and duplications immediately upstream of the coding sequence have been reported in individuals affected with cartilage-hair hypoplasia-anauxetic dysplasia (CHH-AD) spectrum disorders (PMID: 16244706, 11207361, 12107819). While functional studies for this variant have not been reported, experimental analyses using patient derived cells, as well as in vitro transfection studies, have shown that promoter insertions result in silencing of RMRP transcription and reduced expression of the gene product (PMID: 11207361, 16254002). For these reasons, this variant has been classified as Pathogenic.

Literature cited by the submitters: PubMed 11207361 (cited by Natera, Inc. and Labcorp Genetics (formerly Invitae), Labcorp); PubMed 17937437 (cited by Natera, Inc.); PubMed 16244706 (cited by Labcorp Genetics (formerly Invitae), Labcorp); PubMed 12107819 (cited by Labcorp Genetics (formerly Invitae), Labcorp); PubMed 16254002 (cited by Labcorp Genetics (formerly Invitae), Labcorp).

NR_003051.3(RMRP):n.-24_-17dupACTACTCT

Gene: RMRP (RNA component of mitochondrial RNA processing endoribonuclease; minus strand). Cytogenetic location: 9p13.3.
Variant type: Duplication.
Genome position: GRCh38 VCF-style: chr9-35658034-C-CAGAGTAGT. GRCh37 (hg19) VCF-style: chr9-35658031-C-CAGAGTAGT.
Identifiers: ClinVar variation 658771 (VCV000658771.6), dbSNP rs1554651537, ClinGen allele CA587570243.